The following is an entry in ClinVar:

ClinVar aggregate classification (germline): Uncertain significance. Review status: criteria provided, multiple submitters, no conflicts (2 of 4 stars). 2 submissions from 2 submitters: Uncertain significance (2). Last evaluated 2026-04-13.

Conditions:
Pancreatic adenocarcinoma. Identifiers: MedGen C0281361, MONDO:0006047, HP:0006725.

Allele frequency attached by ClinVar (database versions not stated): gnomAD exomes 0.00002; gnomAD 0.00001.
gnomAD v4.1: 2 of 1,456,932 alleles (0.00014%); highest among the groups gnomAD compares: East Asian, 0.0058%; no homozygotes.

Submissions (2):

Ambry Genetics
Classification: Uncertain significance. Last evaluated: 2026-04-13. Review status: criteria provided, single submitter. Criteria: Ambry Variant Classification Scheme 2023. Collection method: clinical testing. Allele origin: germline.
Comment: The p.F73S variant (also known as c.218T>C), located in coding exon 1 of the PALLD gene, results from a T to C substitution at nucleotide position 218. The phenylalanine at codon 73 is replaced by serine, an amino acid with highly dissimilar properties. This amino acid position is conserved. In addition, this alteration is predicted to be tolerated by in silico analysis. Based on the available evidence, the clinical significance of this variant remains unclear.

Labcorp Genetics (formerly Invitae), Labcorp
Classification: Uncertain significance for Pancreatic adenocarcinoma. Last evaluated: 2024-11-12. Review status: criteria provided, single submitter. Criteria: Invitae Variant Classification Sherloc (09022015). Collection method: clinical testing. Allele origin: germline.
Comment: This sequence change replaces phenylalanine, which is neutral and non-polar, with serine, which is neutral and polar, at codon 73 of the PALLD protein (p.Phe73Ser). This variant is present in population databases (no rsID available, gnomAD 0.06%). This variant has not been reported in the literature in individuals affected with PALLD-related conditions. ClinVar contains an entry for this variant (Variation ID: 1345298). An algorithm developed to predict the effect of missense changes on protein structure and function (PolyPhen-2) suggests that this variant is likely to be tolerated. In summary, the available evidence is currently insufficient to determine the role of this variant in disease. Therefore, it has been classified as a Variant of Uncertain Significance.

NM_001166108.2(PALLD):c.1965-12813T>C

Gene: PALLD (palladin, cytoskeletal associated protein; plus strand). Cytogenetic location: 4q32.3.
Variant type: single nucleotide variant.
Coding change: c.1965-12813T>C on transcript NM_001166108.2 (MANE Select); 12813 bases into the intron before coding-DNA position 1965, T replaced by C.
Molecular consequence: intron variant. On other transcripts: missense variant (1).
Genome position (GRCh38, 1-based): chr4:168,878,109, T>C. VCF-style: chr4-168878109-T-C. GRCh37 (hg19) VCF-style: chr4-169799260-T-C.
Other names: c.218T>C (NM_001166110.1); c.218T>C, p.Phe73Ser (NM_001166110.2); c.1965-12813T>C (NM_016081.4); c.819-12813T>C (NM_001166109.2); c.-157-12813T>C (NM_001367570.1, NM_001367568.1, NM_001367567.1 and 1 more transcripts); short protein forms F73S.
Identifiers: ClinVar variation 1345298 (VCV001345298.7), dbSNP rs1290110172, ClinGen allele CA358795601.